The following is an entry in ClinVar:

NM_000541.5(SAG):c.524G>T (p.Arg175Leu)

Gene: SAG (S-antigen visual arrestin; plus strand). Cytogenetic location: 2q37.1.
Variant type: single nucleotide variant.
Coding change: c.524G>T on transcript NM_000541.5 (MANE Select); coding-DNA position 524, G replaced by T.
Protein change: p.Arg175Leu; replaces arginine 175 with leucine.
Molecular consequence: missense variant.
Genome position (GRCh38, 1-based): chr2:233,328,489, G>T. VCF-style: chr2-233328489-G-T. GRCh37 (hg19) VCF-style: chr2-234237135-G-T.
Other names: short protein forms R175L.
Identifiers: ClinVar variation 1372316 (VCV001372316.6), dbSNP rs763815691, ClinGen allele CA2174429.

ClinVar aggregate classification (germline): Uncertain significance (1 of 4 stars; one submission).

gnomAD v4.1: 6 of 1,613,596 alleles (0.00037%); highest among the groups gnomAD compares: Admixed American, 0.005%; no homozygotes.

Submission:

Labcorp Genetics (formerly Invitae), Labcorp
Classification: Uncertain significance. Last evaluated: 2023-10-03. Review status: criteria provided, single submitter. Criteria: Invitae Variant Classification Sherloc (09022015). Collection method: clinical testing. Allele origin: germline.
Comment: This sequence change replaces arginine, which is basic and polar, with leucine, which is neutral and non-polar, at codon 175 of the SAG protein (p.Arg175Leu). This variant is present in population databases (rs763815691, gnomAD 0.009%). This missense change has been observed in individual(s) with clinical features of retinitis pigmentosa (Invitae). ClinVar contains an entry for this variant (Variation ID: 1372316). Advanced modeling of protein sequence and biophysical properties (such as structural, functional, and spatial information, amino acid conservation, physicochemical variation, residue mobility, and thermodynamic stability) performed at Invitae indicates that this missense variant is not expected to disrupt SAG protein function. In summary, the available evidence is currently insufficient to determine the role of this variant in disease. Therefore, it has been classified as a Variant of Uncertain Significance.